The following is an entry in ClinVar:

ClinVar aggregate classification (germline): Uncertain significance. Review status: criteria provided, multiple submitters, no conflicts (2 of 4 stars). 3 submissions from 3 submitters: Uncertain significance (2). 1 of the submissions does not count toward it. Last evaluated 2025-08-21.

Conditions:
Glycine encephalopathy. Also called: Non-ketotic hyperglycinemia; Nonketotic hyperglycinemia. Identifiers: Orphanet 407, MedGen C0751748, MONDO:0011612, HP:0008288.
Inborn genetic diseases. Identifiers: MedGen C0950123, MeSH D030342.

Allele frequency attached by ClinVar (database versions not stated): gnomAD 0.00001; TOPMed 0.00002.
gnomAD v4.1: 58 of 1,612,526 alleles (0.0036%); highest among the groups gnomAD compares: Non-Finnish European, 0.0042%; no homozygotes.

Submissions (3):

Labcorp Genetics (formerly Invitae), Labcorp
Classification: Uncertain significance for Glycine encephalopathy. Last evaluated: 2025-08-21. Review status: criteria provided, single submitter. Criteria: Invitae Variant Classification Sherloc (09022015). Collection method: clinical testing. Allele origin: germline.
Comment: This sequence change replaces threonine, which is neutral and polar, with methionine, which is neutral and non-polar, at codon 867 of the GLDC protein (p.Thr867Met). This variant is present in population databases (rs749852046, gnomAD 0.01%). This variant has not been reported in the literature in individuals affected with GLDC-related conditions. ClinVar contains an entry for this variant (Variation ID: 1013752). Invitae Evidence Modeling of protein sequence and biophysical properties (such as structural, functional, and spatial information, amino acid conservation, physicochemical variation, residue mobility, and thermodynamic stability) indicates that this missense variant is not expected to disrupt GLDC protein function with a negative predictive value of 95%. In summary, the available evidence is currently insufficient to determine the role of this variant in disease. Therefore, it has been classified as a Variant of Uncertain Significance.

Ambry Genetics
Classification: Uncertain significance for Inborn genetic diseases. Last evaluated: 2022-09-02. Review status: criteria provided, single submitter. Criteria: Ambry Variant Classification Scheme 2023. Collection method: clinical testing. Allele origin: germline.

Natera, Inc.
Classification: Uncertain significance for Non-ketotic hyperglycinemia. Last evaluated: 2020-04-13. Review status: no assertion criteria provided. Collection method: clinical testing. Allele origin: germline. Not counted in ClinVar's aggregate classification.

NM_000170.3(GLDC):c.2600C>T (p.Thr867Met)

Gene: GLDC (glycine decarboxylase; minus strand). Cytogenetic location: 9p24.1.
Variant type: single nucleotide variant.
Coding change: c.2600C>T on transcript NM_000170.3 (MANE Select); coding-DNA position 2600, C replaced by T.
Protein change: p.Thr867Met; replaces threonine 867 with methionine.
Molecular consequence: missense variant.
Genome position (GRCh38, 1-based): chr9:6,540,116, G>A on the plus strand (C>T on the coding strand, the complement: GLDC is on the minus strand). VCF-style: chr9-6540116-G-A. GRCh37 (hg19) VCF-style: chr9-6540116-G-A.
Other names: c.2600C>T (NM_000170.2); short protein forms T867M.
Identifiers: ClinVar variation 1013752 (VCV001013752.13), dbSNP rs749852046, ClinGen allele CA4980140.